The following is an entry in ClinVar:

ClinVar aggregate classification (germline): Likely benign. Review status: criteria provided, multiple submitters, no conflicts (2 of 4 stars). 4 submissions from 4 submitters: Likely benign (4). Last evaluated 2024-02-22.

Conditions:
Cardiovascular phenotype. Identifiers: MedGen CN230736.
Hypercholesterolemia, autosomal dominant, 3 (FHCL3). Also called: Familial Hypercholesterolemia, Autosomal Dominant, 3; PCSK9-Related Familial Hypercholesterolemia, Autosomal Dominant; Familial hypercholesterolemia 3. Identifiers: MedGen C1863551, MONDO:0011369, OMIM 603776.
Familial hypercholesterolemia. Also called: Familial hypercholesterolemias; Familial hypercholesterolaemia. Identifiers: MedGen C0020445, MONDO:0005439.

Allele frequency attached by ClinVar (database versions not stated): gnomAD exomes below 0.00001; ExAC 0.00001.

Submissions (4):

All of Us Research Program, National Institutes of Health
Classification: Likely benign for Hypercholesterolemia, autosomal dominant, 3. Last evaluated: 2024-02-22. Review status: criteria provided, single submitter. Criteria: ACMG Guidelines, 2015. Collection method: clinical testing. Allele origin: germline. Inheritance: Autosomal dominant inheritance. Observed: 1 variant allele, 1 heterozygote.
Comment: This study involves interpretation of variants in research participants for the purpose of population health screening. Participant phenotype was not available at the time of variant classification. Additional details can be found in publication PMID: 35346344, PMCID: PMC8962531

Color Diagnostics, LLC DBA Color Health
Classification: Likely benign for Familial hypercholesterolemia. Last evaluated: 2024-01-25. Review status: criteria provided, single submitter. Criteria: ACMG Guidelines, 2015. Collection method: clinical testing. Allele origin: germline.

Ambry Genetics
Classification: Likely benign for Cardiovascular phenotype. Last evaluated: 2022-06-22. Review status: criteria provided, single submitter. Criteria: Ambry Variant Classification Scheme 2023. Collection method: clinical testing. Allele origin: germline.

Labcorp Genetics (formerly Invitae), Labcorp
Classification: Likely benign for Hypercholesterolemia, autosomal dominant, 3. Last evaluated: 2020-01-16. Review status: criteria provided, single submitter. Criteria: Invitae Variant Classification Sherloc (09022015). Collection method: clinical testing. Allele origin: germline.

NM_174936.4(PCSK9):c.1809C>T (p.Ala603=)

Gene: PCSK9 (proprotein convertase subtilisin/kexin type 9; plus strand). Cytogenetic location: 1p32.3.
Variant type: single nucleotide variant.
Coding change: c.1809C>T on transcript NM_174936.4 (MANE Select); coding-DNA position 1809, C replaced by T.
Protein change: p.Ala603=; no amino-acid change (alanine 603 retained).
Molecular consequence: synonymous variant. On other transcripts: non-coding transcript variant (8).
Genome position (GRCh38, 1-based): chr1:55,061,502, C>T. VCF-style: chr1-55061502-C-T. GRCh37 (hg19) VCF-style: chr1-55527175-C-T.
Other names: c.1932C>T, p.Ala644= (NM_001407240.1); c.1851C>T, p.Ala617= (NM_001407241.1); c.1812C>T, p.Ala604= (NM_001407242.1); c.1752C>T, p.Ala584= (NM_001407243.1); c.1635C>T, p.Ala545= (NM_001407244.1); c.1617C>T, p.Ala539= (NM_001407245.1); c.1434C>T, p.Ala478= (NM_001407246.1); c.1308C>T, p.Ala436= (NM_001407247.1).
Identifiers: ClinVar variation 1157784 (VCV001157784.13), dbSNP rs766879196, ClinGen allele CA038934.
Genomic context (GRCh38, chr1:55,061,502, plus strand): 5'-TCAGCCCAACCAGTGCGTGGGCCACAGGGAGGCCAGCATCCACGCTTCCTGCTGCCATGC[C>T]CCAGGTCTGGAATGCAAAGTCAAGGAGCATGGAATCCCGGCCCCTCAGGAGCAGGTGAAG-3'
Protein context (NP_777596.2, residues 593-613): EASIHASCCH[Ala603=]PGLECKVKEH